The following is an entry in ClinVar:

ClinVar aggregate classification (germline): Uncertain significance (1 of 4 stars; one submission).

Conditions:
Spermatogenic failure 18. Identifiers: MedGen C4539783, MONDO:0054615, OMIM 617576.
Ciliary dyskinesia, primary, 37 (CILD37). Also called: CILIARY DYSKINESIA, PRIMARY, 37, WITH OR WITHOUT SITUS INVERSUS. Identifiers: MedGen C4539798, MONDO:0033204, OMIM 617577.

Submission:

Juno Genomics, Hangzhou Juno Genomics, Inc
Classification: Uncertain significance for Ciliary dyskinesia, primary, 37; Spermatogenic failure 18. Review status: criteria provided, single submitter. Criteria: ACMG Guidelines, 2015. Collection method: clinical testing. Allele origin: germline.
Comment: Absent from controls (or at extremely low frequency if recessive) in Genome Aggregation Database.;Multiple lines of computational evidence support a deleterious effect on the gene or gene product.

NM_015512.5(DNAH1):c.2865G>T (p.Gly955=)

Gene: DNAH1 (dynein axonemal heavy chain 1; plus strand). Cytogenetic location: 3p21.1.
Variant type: single nucleotide variant.
Coding change: c.2865G>T on transcript NM_015512.5 (MANE Select); coding-DNA position 2865, G replaced by T.
Protein change: p.Gly955=; no amino-acid change (glycine 955 retained).
Molecular consequence: synonymous variant.
Genome position (GRCh38, 1-based): chr3:52,352,097, G>T. VCF-style: chr3-52352097-G-T. GRCh37 (hg19) VCF-style: chr3-52386113-G-T.
Identifiers: ClinVar variation 5006654 (VCV005006654.2).